The following is an entry in ClinVar:

ClinVar aggregate classification (germline): not provided (0 of 4 stars; one submission).

Submissions (2):

Cardiovascular Biomedical Research Unit, Royal Brompton & Harefield NHS Foundation Trust
No classification provided. Review status: no classification provided. Collection method: literature only. Allele origin: germline.

Roden Lab, Vanderbilt University Medical Center
No classification provided (evidence only). Condition: Long QT syndrome 5. Review status: no classification provided. Collection method: in vitro. Allele origin: not applicable. Functional consequence: Effect on ion channel function. Not counted in ClinVar's aggregate classification.
ClinVar note: "not provided" was previously submitted as the classification for the variant. However, the classification appeared to be based only on an observation of functional data so it was converted to no classification on 2025-07-30.

NM_000219.6(KCNE1):c.202T>A (p.Ser68Thr)

Gene: KCNE1 (potassium voltage-gated channel subfamily E regulatory subunit 1; minus strand). Cytogenetic location: 21q22.12.
Variant type: single nucleotide variant.
Coding change: c.202T>A on transcript NM_000219.6 (MANE Select); coding-DNA position 202, T replaced by A.
Protein change: p.Ser68Thr; replaces serine 68 with threonine.
Molecular consequence: missense variant.
Genome position (GRCh38, 1-based): chr21:34,449,433, A>T on the plus strand (T>A on the coding strand, the complement: KCNE1 is on the minus strand). VCF-style: chr21-34449433-A-T. GRCh37 (hg19) VCF-style: chr21-35821731-A-T.
Other names: c.202T>A, p.Ser68Thr (NM_001127668.4, NM_001127669.4, NM_001127670.4 and 4 more transcripts); short protein forms S68T.
Identifiers: ClinVar variation 67142 (VCV000067142.3), dbSNP rs199473393, ClinGen allele CA218635.
Genomic context (GRCh38, chr21:34,449,433, plus strand): 5'-GCCAGGCATCGGACTCGATGTAGACGTTGAATGGGTCGTTCGAGTGCTCCAGCTTCTTGG[A>T]GCGGATGTAGCTCAGCATGATGCCCAGGGTGAAGAAGCCGAAGAATCCCAGTACCATGAG-3'
Protein context (NP_000210.2, residues 58-78): TLGIMLSYIR[Ser68Thr]KKLEHSNDPF